The following is an entry in ClinVar:

NM_000038.6(APC):c.3032C>G (p.Ala1011Gly)

Gene: APC (APC regulator of Wnt signaling pathway; plus strand). Cytogenetic location: 5q22.2.
Variant type: single nucleotide variant.
Coding change: c.3032C>G on transcript NM_000038.6 (MANE Select); coding-DNA position 3032, C replaced by G.
Protein change: p.Ala1011Gly; replaces alanine 1011 with glycine.
Molecular consequence: missense variant.
Genome position (GRCh38, 1-based): chr5:112,838,626, C>G. VCF-style: chr5-112838626-C-G. GRCh37 (hg19) VCF-style: chr5-112174323-C-G.
Other names: c.3032C>G, p.Ala1011Gly (NM_001127510.3, NM_001354895.2); c.2978C>G, p.Ala993Gly (NM_001127511.3); c.3086C>G, p.Ala1029Gly (NM_001354896.2); c.3062C>G, p.Ala1021Gly (NM_001354897.2); c.2957C>G, p.Ala986Gly (NM_001354898.2); c.2948C>G, p.Ala983Gly (NM_001354899.2); c.2909C>G, p.Ala970Gly (NM_001354900.2); c.2855C>G, p.Ala952Gly (NM_001354901.2); and 5 more; short protein forms A1029G, A983G, A1011G, A1021G, A728G, A986G, A910G, A851G.
Identifiers: ClinVar variation 939138 (VCV000939138.10), dbSNP rs1765320980, ClinGen allele CA16027965.
Genomic context (GRCh38, chr5:112,838,626, plus strand): 5'-AAAGTAAGTTTTGCAGTTATGGTCAATACCCAGCCGACCTAGCCCATAAAATACATAGTG[C>G]AAATCATATGGATGATAATGATGGAGAACTAGATACACCAATAAATTATAGTCTTAAATA-3'
Protein context (NP_000029.2, residues 1001-1021): PADLAHKIHS[Ala1011Gly]NHMDDNDGEL

ClinVar aggregate classification (germline): Uncertain significance (1 of 4 stars; one submission).

Conditions:
Familial adenomatous polyposis 1 (FAP1). Also called: FAMILIAL ADENOMATOUS POLYPOSIS 1, ATTENUATED; POLYPOSIS, ADENOMATOUS INTESTINAL. Identifiers: MedGen C2713442, MONDO:0021056, OMIM 175100. Disease mechanism: loss of function.

Submission:

Labcorp Genetics (formerly Invitae), Labcorp
Classification: Uncertain significance for Familial adenomatous polyposis 1. Last evaluated: 2024-02-19. Review status: criteria provided, single submitter. Criteria: Invitae Variant Classification Sherloc (09022015). Collection method: clinical testing. Allele origin: germline.
Comment: This sequence change replaces alanine, which is neutral and non-polar, with glycine, which is neutral and non-polar, at codon 1011 of the APC protein (p.Ala1011Gly). This variant is not present in population databases (gnomAD no frequency). This variant has not been reported in the literature in individuals affected with APC-related conditions. ClinVar contains an entry for this variant (Variation ID: 939138). Advanced modeling of protein sequence and biophysical properties (such as structural, functional, and spatial information, amino acid conservation, physicochemical variation, residue mobility, and thermodynamic stability) performed at Invitae indicates that this missense variant is not expected to disrupt APC protein function with a negative predictive value of 95%. In summary, the available evidence is currently insufficient to determine the role of this variant in disease. Therefore, it has been classified as a Variant of Uncertain Significance.